The following is an entry in ClinVar:

NM_152564.5(VPS13B):c.5185A>G (p.Met1729Val)

Gene: VPS13B (vacuolar protein sorting 13 homolog B; plus strand). Cytogenetic location: 8q22.2.
Variant type: single nucleotide variant.
Coding change: c.5185A>G on transcript NM_152564.5 (MANE Select); coding-DNA position 5185, A replaced by G.
Protein change: p.Met1729Val; replaces methionine 1729 with valine.
Molecular consequence: missense variant.
Genome position (GRCh38, 1-based): chr8:99,577,598, A>G. VCF-style: chr8-99577598-A-G. GRCh37 (hg19) VCF-style: chr8-100589826-A-G.
Other names: c.5260A>G, p.Met1754Val (NM_017890.5); c.5260A>G (NM_017890.3); short protein forms M1754V, M1729V.
Identifiers: ClinVar variation 941086 (VCV000941086.9), dbSNP rs1825837144, ClinGen allele CA371875448.
Genomic context (GRCh38, chr8:99,577,598, plus strand): 5'-CTGGACTTCTTCCTAAGTGTGGCTCAAGTTCAACTCTTACATCAGTTAATAGTAGCAAAT[A>G]TGACTGGACTGGAACCATCAAACAAGGCTGCAGAGGTAACTGTTACCTGATTTTGATCAG-3'
Protein context (NP_689777.3, residues 1719-1739): QLLHQLIVAN[Met1729Val]TGLEPSNKAA

ClinVar aggregate classification (germline): Uncertain significance. Review status: criteria provided, multiple submitters, no conflicts (2 of 4 stars). 3 submissions from 3 submitters: Uncertain significance (2). 1 of the submissions does not count toward it. Last evaluated 2022-11-01.

Conditions:
Inborn genetic diseases. Identifiers: MedGen C0950123, MeSH D030342.
Cohen syndrome (COH1). Also called: PEPPER SYNDROME; Cutis verticis gyrata, retinitis pigmentosa, and sensorineural deafness. Identifiers: Orphanet 193, MedGen C0265223, MONDO:0008999, OMIM 216550.

Submissions (3):

Labcorp Genetics (formerly Invitae), Labcorp
Classification: Uncertain significance for Cohen syndrome. Last evaluated: 2022-11-01. Review status: criteria provided, single submitter. Criteria: Invitae Variant Classification Sherloc (09022015). Collection method: clinical testing. Allele origin: germline.
Comment: This sequence change replaces methionine, which is neutral and non-polar, with valine, which is neutral and non-polar, at codon 1754 of the VPS13B protein (p.Met1754Val). This variant is not present in population databases (gnomAD no frequency). This variant has not been reported in the literature in individuals affected with VPS13B-related conditions. ClinVar contains an entry for this variant (Variation ID: 941086). Advanced modeling of protein sequence and biophysical properties (such as structural, functional, and spatial information, amino acid conservation, physicochemical variation, residue mobility, and thermodynamic stability) performed at Invitae indicates that this missense variant is not expected to disrupt VPS13B protein function. In summary, the available evidence is currently insufficient to determine the role of this variant in disease. Therefore, it has been classified as a Variant of Uncertain Significance.

Ambry Genetics
Classification: Uncertain significance for Inborn genetic diseases. Last evaluated: 2019-02-19. Review status: criteria provided, single submitter. Criteria: Ambry Variant Classification Scheme 2023. Collection method: clinical testing. Allele origin: germline.
Comment: The p.M1754V variant (also known as c.5260A>G), located in coding exon 32 of the VPS13B gene, results from an A to G substitution at nucleotide position 5260. The methionine at codon 1754 is replaced by valine, an amino acid with highly similar properties. This amino acid position is well conserved in available vertebrate species; however, valine is the reference amino acid in other vertebrate species. In addition, this alteration is predicted to be tolerated by in silico analysis. Since supporting evidence is limited at this time, the clinical significance of this alteration remains unclear.

Natera, Inc.
Classification: Uncertain significance for Cohen syndrome. Last evaluated: 2021-06-23. Review status: no assertion criteria provided. Collection method: clinical testing. Allele origin: germline. Not counted in ClinVar's aggregate classification.